The following is an entry in ClinVar:

ClinVar aggregate classification (germline): Uncertain significance. Review status: criteria provided, multiple submitters, no conflicts (2 of 4 stars). 3 submissions from 3 submitters: Uncertain significance (3). Last evaluated 2025-12-24.

Conditions:
Brugada syndrome 8 (BRGDA8). Identifiers: Orphanet 130, MedGen C2751083, MONDO:0013148, OMIM 613123.
Cardiovascular phenotype. Identifiers: MedGen CN230736.

Allele frequency attached by ClinVar (database versions not stated): gnomAD exomes below 0.00001.
gnomAD v4.1: 1 of 1,354,814 alleles (0.000074%); highest among the groups gnomAD compares: Non-Finnish European, 0.000095%; no homozygotes.

Submissions (3):

Labcorp Genetics (formerly Invitae), Labcorp
Classification: Uncertain significance for Brugada syndrome 8. Last evaluated: 2025-12-24. Review status: criteria provided, single submitter. Criteria: Invitae Variant Classification Sherloc (09022015). Collection method: clinical testing. Allele origin: germline.
Comment: This sequence change replaces glycine, which is neutral and non-polar, with arginine, which is basic and polar, at codon 108 of the HCN4 protein (p.Gly108Arg). This variant is not present in population databases (gnomAD no frequency). This variant has not been reported in the literature in individuals affected with HCN4-related conditions. ClinVar contains an entry for this variant (Variation ID: 393102). Invitae Evidence Modeling of protein sequence and biophysical properties (such as structural, functional, and spatial information, amino acid conservation, physicochemical variation, residue mobility, and thermodynamic stability) indicates that this missense variant is not expected to disrupt HCN4 protein function with a negative predictive value of 95%. In summary, the available evidence is currently insufficient to determine the role of this variant in disease. Therefore, it has been classified as a Variant of Uncertain Significance.

Ambry Genetics
Classification: Uncertain significance for Cardiovascular phenotype. Last evaluated: 2025-03-05. Review status: criteria provided, single submitter. Criteria: Ambry Variant Classification Scheme 2023. Collection method: clinical testing. Allele origin: germline.

GeneDx
Classification: Uncertain significance. Last evaluated: 2017-01-23. Review status: criteria provided, single submitter. Criteria: GeneDx Variant Classification (06012015). Collection method: clinical testing. Allele origin: germline. Affected: yes.
Comment: A variant of uncertain significance has been identified in the HCN4 gene. The G108R variant has not been published as pathogenic or been reported as benign to our knowledge. No data are available from control populations to assess the frequency of this variant in the general population. The G108R variant is a non-conservative amino acid substitution, which is likely to impact secondary protein structure as these residues differ in polarity, charge, size and/or other properties. Although this substitution occurs at a position that is conserved in mammals, arginine (R) is the native amino acid at this position in several species. Furthermore, the majority of in silico models predict this variant likely does not alter the protein structure/function.

NM_005477.3(HCN4):c.322G>C (p.Gly108Arg)

Gene: HCN4 (hyperpolarization activated cyclic nucleotide gated potassium channel 4; minus strand). Cytogenetic location: 15q24.1.
Variant type: single nucleotide variant.
Coding change: c.322G>C on transcript NM_005477.3 (MANE Select); coding-DNA position 322, G replaced by C.
Protein change: p.Gly108Arg; replaces glycine 108 with arginine.
Molecular consequence: missense variant.
Genome position (GRCh38, 1-based): chr15:73,367,949, C>G on the plus strand (G>C on the coding strand, the complement: HCN4 is on the minus strand). VCF-style: chr15-73367949-C-G. GRCh37 (hg19) VCF-style: chr15-73660290-C-G.
Other names: short protein forms G108R.
Identifiers: ClinVar variation 393102 (VCV000393102.7), dbSNP rs1057524788, ClinGen allele CA16607015.